The following is an entry in ClinVar:

NM_000744.7(CHRNA4):c.274-17C>A

Genes: CHRNA4 (cholinergic receptor nicotinic alpha 4 subunit; minus strand), LOC126863087 (P300/CBP strongly-dependent group 1 enhancer GRCh37_chr20:61986832-61988031; plus strand). Cytogenetic location: 20q13.33.
Variant type: single nucleotide variant.
Coding change: c.274-17C>A on transcript NM_000744.7 (MANE Select); 17 bases into the intron before coding-DNA position 274, C replaced by A.
Molecular consequence: intron variant. On other transcripts: non-coding transcript variant (1).
Genome position (GRCh38, 1-based): chr20:63,356,101, G>T on the plus strand (C>A on the coding strand, the complement: CHRNA4 is on the minus strand). VCF-style: chr20-63356101-G-T. GRCh37 (hg19) VCF-style: chr20-61987453-G-T.
Other names: c.-273-17C>A (NM_001256573.2).
Identifiers: ClinVar variation 3907486 (VCV003907486.1).

ClinVar aggregate classification (germline): Uncertain significance (1 of 4 stars; one submission).

Submission:

Women's Health and Genetics/Laboratory Corporation of America, LabCorp
Classification: Uncertain significance. Last evaluated: 2025-06-26. Review status: criteria provided, single submitter. Criteria: LabCorp Variant Classification Summary - May 2015. Collection method: clinical testing. Allele origin: germline.
Comment: Variant summary: CHRNA4 c.274-17C>A alters a conserved nucleotide located at a position not widely known to affect splicing. Several computational tools predict a significant impact on normal splicing: One predict the variant no significant impact on splicing. Three predict the variant weakens a 3' acceptor site. Two predict the variant creates a 3' acceptor site. However, these predictions have yet to be confirmed by functional studies. The variant allele was found at a frequency of 1.4e-05 in 213712 control chromosomes. The available data on variant occurrences in the general population are insufficient to allow any conclusion about variant significance. To our knowledge, no occurrence of c.274-17C>A in individuals affected with Epilepsy, Nocturnal Frontal Lobe, Type 1 and no experimental evidence demonstrating its impact on protein function have been reported. No submitters have cited clinical-significance assessments for this variant to ClinVar. Based on the evidence outlined above, the variant was classified as uncertain significance.